The following is an entry in ClinVar:

ClinVar aggregate classification (germline): Uncertain significance. Review status: criteria provided, multiple submitters, no conflicts (2 of 4 stars). 2 submissions from 2 submitters: Uncertain significance (2). Last evaluated 2025-08-30.

Conditions:
Early-infantile DEE. Also called: Early infantile epileptic encephalopathy with suppression bursts; Early infantile epileptic encephalopathy; Ohtahara syndrome. Identifiers: Orphanet 1934, MedGen C0393706, MONDO:0800491.

Allele frequency attached by ClinVar (database versions not stated): gnomAD 0.00001; ExAC 0.00002; TOPMed 0.00002; gnomAD exomes below 0.00001.
gnomAD v4.1: 6 of 1,614,028 alleles (0.00037%); highest among the groups gnomAD compares: East Asian, 0.0089%; no homozygotes.

Submissions (2):

Labcorp Genetics (formerly Invitae), Labcorp
Classification: Uncertain significance for Early-infantile DEE. Last evaluated: 2025-08-30. Review status: criteria provided, single submitter. Criteria: Invitae Variant Classification Sherloc (09022015). Collection method: clinical testing. Allele origin: germline.
Comment: This sequence change replaces lysine, which is basic and polar, with arginine, which is basic and polar, at codon 1417 of the SPTAN1 protein (p.Lys1417Arg). This variant is present in population databases (rs770101520, gnomAD 0.04%). This variant has not been reported in the literature in individuals affected with SPTAN1-related conditions. ClinVar contains an entry for this variant (Variation ID: 2436399). Invitae Evidence Modeling of protein sequence and biophysical properties (such as structural, functional, and spatial information, amino acid conservation, physicochemical variation, residue mobility, and thermodynamic stability) has been performed for this missense variant. However, the output from this modeling did not meet the statistical confidence thresholds required to predict the impact of this variant on SPTAN1 protein function. In summary, the available evidence is currently insufficient to determine the role of this variant in disease. Therefore, it has been classified as a Variant of Uncertain Significance.

Revvity Omics, Revvity
Classification: Uncertain significance. Last evaluated: 2021-06-10. Review status: criteria provided, single submitter. Criteria: ACMG Guidelines, 2015. Collection method: clinical testing. Allele origin: germline.

NM_001130438.3(SPTAN1):c.4250A>G (p.Lys1417Arg)

Gene: SPTAN1 (spectrin alpha, non-erythrocytic 1; plus strand). Cytogenetic location: 9q34.11.
Variant type: single nucleotide variant.
Coding change: c.4250A>G on transcript NM_001130438.3 (MANE Select); coding-DNA position 4250, A replaced by G.
Protein change: p.Lys1417Arg; replaces lysine 1417 with arginine.
Molecular consequence: missense variant.
Genome position (GRCh38, 1-based): chr9:128,607,955, A>G. VCF-style: chr9-128607955-A-G. GRCh37 (hg19) VCF-style: chr9-131370234-A-G.
Other names: c.4190A>G, p.Lys1397Arg (NM_001195532.2, NM_001363765.2, NM_001375314.2); c.4250A>G, p.Lys1417Arg (NM_001363759.2, NM_001375310.1, NM_001375311.2 and 2 more transcripts); c.4286A>G, p.Lys1429Arg (NM_001375312.2, NM_001375318.1); short protein forms K1397R, K1417R, K1429R.
Identifiers: ClinVar variation 2436399 (VCV002436399.4), dbSNP rs770101520, ClinGen allele CA5265149.